The following is an entry in ClinVar:

NM_138927.4(SON):c.3039C>T (p.Tyr1013=)

Gene: SON (SON DNA and RNA binding protein; plus strand). Cytogenetic location: 21q22.11.
Variant type: single nucleotide variant.
Coding change: c.3039C>T on transcript NM_138927.4 (MANE Select); coding-DNA position 3039, C replaced by T.
Protein change: p.Tyr1013=; no amino-acid change (tyrosine 1013 retained).
Molecular consequence: synonymous variant. On other transcripts: non-coding transcript variant (1), intron variant (1).
Genome position (GRCh38, 1-based): chr21:33,552,270, C>T. VCF-style: chr21-33552270-C-T. GRCh37 (hg19) VCF-style: chr21-34924576-C-T.
Other names: c.3039C>T, p.Tyr1013= (NM_001291411.2, NM_032195.3); c.245-4886C>T (NM_001291412.3).
Identifiers: ClinVar variation 546906 (VCV000546906.51), dbSNP rs150871748, ClinGen allele CA10009201.

ClinVar aggregate classification (germline): Likely benign. Review status: criteria provided, multiple submitters, no conflicts (2 of 4 stars). 2 submissions from 2 submitters: Likely benign (2). Last evaluated 2026-01-12.

Allele frequency attached by ClinVar (database versions not stated): gnomAD exomes 0.00019 and 0.00028; ESP Exome Variant Server 0.00023; gnomAD 0.00024 and 0.00026; 1000 Genomes Project 30x 0.00031; TOPMed 0.00033; ExAC 0.00038; 1000 Genomes Project 0.00040.

Submissions (2):

Labcorp Genetics (formerly Invitae), Labcorp
Classification: Likely benign. Last evaluated: 2026-01-12. Review status: criteria provided, single submitter. Criteria: Invitae Variant Classification Sherloc (09022015). Collection method: clinical testing. Allele origin: germline.

CeGaT Center for Human Genetics Tuebingen
Classification: Likely benign. Last evaluated: 2025-07-01. Review status: criteria provided, single submitter. Criteria: CeGaT Center For Human Genetics Tuebingen Variant Classification Criteria Version 2. Collection method: clinical testing. Allele origin: germline. Affected: yes. Observed: 3 variant alleles.
Comment: SON: BP4, BP7